The following is an entry in ClinVar:

ClinVar aggregate classification (germline): Uncertain significance (1 of 4 stars; one submission).

Conditions:
Primary ciliary dyskinesia. Also called: Ciliary dyskinesia. Identifiers: Orphanet 244, MedGen C0008780, MONDO:0016575, HP:0012265.

Allele frequency attached by ClinVar (database versions not stated): gnomAD exomes below 0.00001; ExAC 0.00001; TOPMed 0.00001.
gnomAD v4.1: 3 of 1,211,708 alleles (0.00025%); highest among the groups gnomAD compares: Admixed American, 0.0065%; no homozygotes.

Submission:

Labcorp Genetics (formerly Invitae), Labcorp
Classification: Uncertain significance for Primary ciliary dyskinesia. Last evaluated: 2024-06-25. Review status: criteria provided, single submitter. Criteria: Invitae Variant Classification Sherloc (09022015). Collection method: clinical testing. Allele origin: germline.
Comment: This sequence change replaces serine, which is neutral and polar, with leucine, which is neutral and non-polar, at codon 407 of the RPGR protein (p.Ser407Leu). This variant is present in population databases (rs772201779, gnomAD 0.01%). This variant has not been reported in the literature in individuals affected with RPGR-related conditions. ClinVar contains an entry for this variant (Variation ID: 1986773). Advanced modeling of protein sequence and biophysical properties (such as structural, functional, and spatial information, amino acid conservation, physicochemical variation, residue mobility, and thermodynamic stability) has been performed at Invitae for this missense variant, however the output from this modeling did not meet the statistical confidence thresholds required to predict the impact of this variant on RPGR protein function. In summary, the available evidence is currently insufficient to determine the role of this variant in disease. Therefore, it has been classified as a Variant of Uncertain Significance.

NM_001034853.2(RPGR):c.1220C>T (p.Ser407Leu)

Gene: RPGR (retinitis pigmentosa GTPase regulator; minus strand). Cytogenetic location: Xp11.4.
Variant type: single nucleotide variant.
Coding change: c.1220C>T on transcript NM_001034853.2 (MANE Select); coding-DNA position 1220, C replaced by T.
Protein change: p.Ser407Leu; replaces serine 407 with leucine.
Molecular consequence: missense variant. On other transcripts: non-coding transcript variant (6), intron variant (2).
Genome position (GRCh38, 1-based): chrX:38,298,981, G>A on the plus strand (C>T on the coding strand, the complement: RPGR is on the minus strand). VCF-style: chrX-38298981-G-A. GRCh37 (hg19) VCF-style: chrX-38158234-G-A.
Other names: c.1220C>T, p.Ser407Leu (NM_000328.3, NM_001367247.1); c.1217C>T, p.Ser406Leu (NM_001367245.1, NM_001367249.1, NM_001367250.1); c.1250C>T, p.Ser417Leu (NM_001367248.1); c.1060-1529C>T (NM_001367251.1, NM_001367246.1); short protein forms S417L, S406L, S407L.
Identifiers: ClinVar variation 1986773 (VCV001986773.4), dbSNP rs772201779, ClinGen allele CA10385518.